The following is an entry in ClinVar:

ClinVar aggregate classification (germline): Uncertain significance. Review status: criteria provided, multiple submitters, no conflicts (2 of 4 stars). 2 submissions from 2 submitters: Uncertain significance (2). Last evaluated 2026-01-18.

Allele frequency attached by ClinVar (database versions not stated): gnomAD exomes 0.00002; ExAC 0.00003; TOPMed 0.00003; gnomAD 0.00005; ESP Exome Variant Server 0.00008.
gnomAD v4.1: 46 of 1,612,628 alleles (0.0029%); highest among the groups gnomAD compares: Admixed American, 0.005%; no homozygotes.

Submissions (2):

Labcorp Genetics (formerly Invitae), Labcorp
Classification: Uncertain significance. Last evaluated: 2026-01-18. Review status: criteria provided, single submitter. Criteria: Invitae Variant Classification Sherloc (09022015). Collection method: clinical testing. Allele origin: germline.
Comment: This sequence change replaces alanine, which is neutral and non-polar, with valine, which is neutral and non-polar, at codon 175 of the TNNI3K protein (p.Ala175Val). This variant is present in population databases (rs149577931, gnomAD 0.006%). This variant has not been reported in the literature in individuals affected with TNNI3K-related conditions. ClinVar contains an entry for this variant (Variation ID: 1448200). Invitae Evidence Modeling of protein sequence and biophysical properties (such as structural, functional, and spatial information, amino acid conservation, physicochemical variation, residue mobility, and thermodynamic stability) indicates that this missense variant is not expected to disrupt TNNI3K protein function with a negative predictive value of 80%. In summary, the available evidence is currently insufficient to determine the role of this variant in disease. Therefore, it has been classified as a Variant of Uncertain Significance.

Blueprint Genetics
Classification: Uncertain significance. Last evaluated: 2023-09-26. Review status: criteria provided, single submitter. Criteria: ACMG Guidelines, 2015. Collection method: clinical testing. Allele origin: germline.

NM_015978.3(TNNI3K):c.524C>T (p.Ala175Val)

Genes: FPGT-TNNI3K (FPGT-TNNI3K readthrough; plus strand), TNNI3K (TNNI3 interacting kinase; plus strand). Cytogenetic location: 1p31.1.
Variant type: single nucleotide variant.
Coding change: c.524C>T on transcript NM_015978.3 (MANE Select); coding-DNA position 524, C replaced by T.
Protein change: p.Ala175Val; replaces alanine 175 with valine.
Molecular consequence: missense variant.
Genome position (GRCh38, 1-based): chr1:74,331,529, C>T. VCF-style: chr1-74331529-C-T. GRCh37 (hg19) VCF-style: chr1-74797213-C-T.
Other names: c.827C>T, p.Ala276Val (NM_001112808.3, NM_001199327.2); short protein forms A276V, A175V.
Identifiers: ClinVar variation 1448200 (VCV001448200.8), dbSNP rs149577931, ClinGen allele CA908927.